The following is an entry in ClinVar:

NM_001903.5(CTNNA1):c.106-4T>G

Gene: CTNNA1 (catenin alpha 1; plus strand). Cytogenetic location: 5q31.2.
Variant type: single nucleotide variant.
Coding change: c.106-4T>G on transcript NM_001903.5 (MANE Select); 4 bases into the intron before coding-DNA position 106, T replaced by G.
Molecular consequence: intron variant.
Genome position (GRCh38, 1-based): chr5:138,783,173, T>G. VCF-style: chr5-138783173-T-G. GRCh37 (hg19) VCF-style: chr5-138118862-T-G.
Other names: c.106-4T>G (NM_001903.2, NM_001323982.2, NM_001323984.2 and 4 more transcripts); c.-101-4T>G (NM_001290310.3); c.-9+1144T>G (NM_001290309.3).
Identifiers: ClinVar variation 2910636 (VCV002910636.5), dbSNP rs534196043, ClinGen allele CA3431360.

ClinVar aggregate classification (germline): Conflicting classifications of pathogenicity. Review status: criteria provided, conflicting classifications (1 of 4 stars). 3 submissions from 3 submitters: Uncertain significance (2); Likely benign (1). Last evaluated 2025-07-02.

Conditions:
Hereditary cancer-predisposing syndrome. Also called: Hereditary neoplastic syndrome; Tumor predisposition; Neoplastic Syndromes, Hereditary; Hereditary Cancer Syndrome. Identifiers: Orphanet 140162, MedGen C0027672, MeSH D009386, MONDO:0015356.

Allele frequency attached by ClinVar (database versions not stated): ExAC 0.00001; 1000 Genomes Project 30x 0.00016; 1000 Genomes Project 0.00020.

Submissions (3):

Labcorp Genetics (formerly Invitae), Labcorp
Classification: Likely benign. Last evaluated: 2025-07-02. Review status: criteria provided, single submitter. Criteria: Invitae Variant Classification Sherloc (09022015). Collection method: clinical testing. Allele origin: germline.

Ambry Genetics
Classification: Uncertain significance for Hereditary cancer-predisposing syndrome. Last evaluated: 2024-09-14. Review status: criteria provided, single submitter. Criteria: Ambry Variant Classification Scheme 2023. Collection method: clinical testing. Allele origin: germline.
Comment: The c.106-4T>G intronic variant results from a T to G substitution 4 nucleotides upstream from coding exon 2 in the CTNNA1 gene. This nucleotide position is not well conserved in available vertebrate species. In silico splice site analysis for this alteration is inconclusive. The evidence for this gene-disease relationship is limited; therefore, the clinical significance of this alteration is unclear.

Blueprint Genetics
Classification: Uncertain significance. Last evaluated: 2023-02-02. Review status: criteria provided, single submitter. Criteria: ACMG Guidelines, 2015. Collection method: clinical testing. Allele origin: germline.